The following is an entry in ClinVar:

ClinVar aggregate classification (germline): Uncertain significance. Review status: criteria provided, multiple submitters, no conflicts (2 of 4 stars). 2 submissions from 2 submitters: Uncertain significance (2). Last evaluated 2025-08-28.

Conditions:
Fanconi anemia (FA). Also called: Fanconi's anemia. Identifiers: Orphanet 84, MedGen C0015625, MeSH D005199, MONDO:0019391.
Inborn genetic diseases. Identifiers: MedGen C0950123, MeSH D030342.

Allele frequency attached by ClinVar (database versions not stated): gnomAD exomes below 0.00001; ExAC 0.00001; gnomAD 0.00001; TOPMed 0.00001; ESP Exome Variant Server 0.00008.
gnomAD v4.1: 5 of 1,609,224 alleles (0.00031%); highest among the groups gnomAD compares: Non-Finnish European, 0.00042%; no homozygotes.

Submissions (2):

Ambry Genetics
Classification: Uncertain significance for Inborn genetic diseases. Last evaluated: 2025-08-28. Review status: criteria provided, single submitter. Criteria: Ambry Variant Classification Scheme 2023. Collection method: clinical testing. Allele origin: germline.

Sema4
Classification: Uncertain significance for Fanconi anemia. Last evaluated: 2021-11-12. Review status: criteria provided, single submitter. Criteria: Sema4 Curation Guidelines. Collection method: curation. Allele origin: germline.
Comment: The SLX4 c.1627G>A (p.E543K) variant has not been reported in the literature to our knowledge. It was observed in 1/107990 chromosomes of the Non-Finnish European subpopulation in the large and broad cohorts of the Genome Aggregation Database (PMID: 32461654). The variant has not been reported in ClinVar. Functional studies have not been performed, and in silico predictions of the variant's effect on protein function are inconclusive. The evidence is insufficient to meet ACMG/AMP criteria for classifying the variant as benign or pathogenic. Thus, the clinical significance of this variant is currently uncertain.

NM_032444.4(SLX4):c.1627G>A (p.Glu543Lys)

Gene: SLX4 (SLX4 structure-specific endonuclease subunit; minus strand). Cytogenetic location: 16p13.3.
Variant type: single nucleotide variant.
Coding change: c.1627G>A on transcript NM_032444.4 (MANE Select); coding-DNA position 1627, G replaced by A.
Protein change: p.Glu543Lys; replaces glutamic acid 543 with lysine.
Molecular consequence: missense variant.
Genome position (GRCh38, 1-based): chr16:3,597,435, C>T on the plus strand (G>A on the coding strand, the complement: SLX4 is on the minus strand). VCF-style: chr16-3597435-C-T. GRCh37 (hg19) VCF-style: chr16-3647436-C-T.
Other names: short protein forms E543K.
Identifiers: ClinVar variation 1691999 (VCV001691999.2), dbSNP rs377148341, ClinGen allele CA7866473.